The following is an entry in ClinVar:

NM_144508.5(KNL1):c.4018G>T (p.Ala1340Ser)

Gene: KNL1 (kinetochore scaffold 1; plus strand). Cytogenetic location: 15q15.1.
Variant type: single nucleotide variant.
Coding change: c.4018G>T on transcript NM_144508.5 (MANE Select); coding-DNA position 4018, G replaced by T.
Protein change: p.Ala1340Ser; replaces alanine 1340 with serine.
Molecular consequence: missense variant.
Genome position (GRCh38, 1-based): chr15:40,624,282, G>T. VCF-style: chr15-40624282-G-T. GRCh37 (hg19) VCF-style: chr15-40916480-G-T.
Other names: c.4096G>T, p.Ala1366Ser (NM_170589.5); short protein forms A1340S, A1366S.
Identifiers: ClinVar variation 2498606 (VCV002498606.30), dbSNP rs764310658, ClinGen allele CA7483111.

ClinVar aggregate classification (germline): Uncertain significance. Review status: criteria provided, multiple submitters, no conflicts (2 of 4 stars). 2 submissions from 2 submitters: Uncertain significance (2). Last evaluated 2025-02-03.

Allele frequency attached by ClinVar (database versions not stated): ExAC 0.00005; gnomAD 0.00005; gnomAD exomes 0.00005; TOPMed 0.00008.
gnomAD v4.1: 80 of 1,613,916 alleles (0.005%); highest among the groups gnomAD compares: Middle Eastern, 0.12%; no homozygotes.

Submissions (2):

Dasa
Classification: Uncertain significance. Last evaluated: 2025-02-03. Review status: criteria provided, single submitter. Criteria: DASA Assertion Criteria. Collection method: clinical testing. Allele origin: germline.
Comment: NM_144508.5(KNL1):c.4018G>T (p.Ala1340Ser) is a missense variant that results in the substitution of alanine with serine. This variant is rare in population databases. Computational prediction algorithms are consistent with a benign effect. The currently available literature and clinical evidence are not sufficient to establish a definitive association between this variant and the reported condition. Therefore, this variant is classified as a variant of uncertain significance.

CeGaT Center for Human Genetics Tuebingen
Classification: Uncertain significance. Last evaluated: 2023-03-01. Review status: criteria provided, single submitter. Criteria: CeGaT Center For Human Genetics Tuebingen Variant Classification Criteria Version 2. Collection method: clinical testing. Allele origin: germline. Affected: yes. Observed: 1 variant allele.
Comment: KNL1: PM2, BP4, BP5